The following is an entry in ClinVar:

NM_139058.3(ARX):c.1463T>C (p.Met488Thr)

Gene: ARX (aristaless related homeobox; minus strand). Cytogenetic location: Xp21.3.
Variant type: single nucleotide variant.
Coding change: c.1463T>C on transcript NM_139058.3 (MANE Select); coding-DNA position 1463, T replaced by C.
Protein change: p.Met488Thr; replaces methionine 488 with threonine.
Molecular consequence: missense variant.
Genome position (GRCh38, 1-based): chrX:25,004,896, A>G on the plus strand (T>C on the coding strand, the complement: ARX is on the minus strand). VCF-style: chrX-25004896-A-G. GRCh37 (hg19) VCF-style: chrX-25023013-A-G.
Other names: short protein forms M488T.
Identifiers: ClinVar variation 451124 (VCV000451124.12), dbSNP rs759074085, ClinGen allele CA10373779.

ClinVar aggregate classification (germline): Uncertain significance. Review status: criteria provided, multiple submitters, no conflicts (2 of 4 stars). 5 submissions from 5 submitters: Uncertain significance (4). 1 of the submissions does not count toward it. Last evaluated 2024-11-25.

Conditions:
Developmental and epileptic encephalopathy, 1 (DEE1). Also called: Epileptic encephalopathy, early infantile, 1; X-linked infantile spasms; West's syndrome; Tonic spasms with clustering, arrest of psychomotor development and hypsarrhythmia on EEG; X-Linked Infantile Spasm Syndrome; OHTAHARA SYNDROME, X-LINKED. Identifiers: MedGen C3463992, MONDO:0010632, OMIM 308350. Disease mechanism: loss of function.
Intellectual disability, X-linked, with or without seizures, ARX-related. Also called: Mental retardation, X-linked 52; MENTAL RETARDATION, X-LINKED 29; MENTAL RETARDATION, X-LINKED 32; MENTAL RETARDATION, X-LINKED 33; MENTAL RETARDATION, X-LINKED 38; MENTAL RETARDATION, X-LINKED 43. Identifiers: Orphanet 777, MedGen C0796244, MONDO:0010317, OMIM 300419.
ARX-related disorder. Also called: ARX-related condition; ARX-Related Disorders. Identifiers: MedGen CN378769.

Allele frequency attached by ClinVar (database versions not stated): gnomAD exomes 0.00003; ExAC 0.00012.
gnomAD v4.1: 27 of 1,137,383 alleles (0.0024%); highest among the groups gnomAD compares: Non-Finnish European, 0.0029%; no homozygotes.

Submissions (5):

GeneDx
Classification: Uncertain significance. Last evaluated: 2024-11-25. Review status: criteria provided, single submitter. Criteria: GeneDx Variant Classification Process June 2021. Collection method: clinical testing. Allele origin: germline. Affected: yes.
Comment: In silico analysis supports that this missense variant has a deleterious effect on protein structure/function; Has not been previously published as pathogenic or benign to our knowledge

Clinical Genetics Laboratory, Skane University Hospital Lund
Classification: Uncertain significance. Last evaluated: 2022-05-27. Review status: criteria provided, single submitter. Criteria: ACMG Guidelines, 2015. Collection method: clinical testing. Allele origin: germline. Affected: yes.

Labcorp Genetics (formerly Invitae), Labcorp
Classification: Uncertain significance for Developmental and epileptic encephalopathy, 1; Intellectual disability, X-linked, with or without seizures, ARX-related. Last evaluated: 2021-09-01. Review status: criteria provided, single submitter. Criteria: Invitae Variant Classification Sherloc (09022015). Collection method: clinical testing. Allele origin: germline.
Comment: This sequence change replaces methionine with threonine at codon 488 of the ARX protein (p.Met488Thr). The methionine residue is highly conserved and there is a moderate physicochemical difference between methionine and threonine. This variant is present in population databases (rs759074085, ExAC 0.02%). This variant has not been reported in the literature in individuals affected with ARX-related conditions. ClinVar contains an entry for this variant (Variation ID: 451124). Algorithms developed to predict the effect of missense changes on protein structure and function are either unavailable or do not agree on the potential impact of this missense change (SIFT: "Deleterious"; PolyPhen-2: "Benign"; Align-GVGD: "Class C65"). In summary, the available evidence is currently insufficient to determine the role of this variant in disease. Therefore, it has been classified as a Variant of Uncertain Significance.

Blueprint Genetics
Classification: Uncertain significance. Last evaluated: 2021-06-07. Review status: criteria provided, single submitter. Criteria: ACMG Guidelines, 2015. Collection method: clinical testing. Allele origin: germline.

PreventionGenetics, part of Exact Sciences
Classification: Likely benign for ARX-related condition. Last evaluated: 2024-09-25. Review status: no assertion criteria provided. Collection method: clinical testing. Allele origin: germline. Not counted in ClinVar's aggregate classification.
Comment: This variant is classified as likely benign based on ACMG/AMP sequence variant interpretation guidelines (Richards et al. 2015 PMID: 25741868, with internal and published modifications).